The following is an entry in ClinVar:

ClinVar aggregate classification (germline): Uncertain significance (1 of 4 stars; one submission).

gnomAD v4.1: 34 of 1,549,304 alleles (0.0022%); highest among the groups gnomAD compares: Non-Finnish European, 0.0029%; no homozygotes.

Submission:

Women's Health and Genetics/Laboratory Corporation of America, LabCorp
Classification: Uncertain significance. Last evaluated: 2025-12-23. Review status: criteria provided, single submitter. Criteria: LabCorp Variant Classification Summary - May 2015. Collection method: clinical testing. Allele origin: germline.
Comment: Variant summary: PIEZO1 c.2981T>G (p.Phe994Cys) results in a non-conservative amino acid change in the encoded protein sequence. Algorithms developed to predict the effect of missense changes on protein structure and function are either unavailable or do not agree on the potential impact of this missense change. The variant allele was found at a frequency of 6.5e-06 in 154476 control chromosomes. The available data on variant occurrences in the general population are insufficient to allow any conclusion about variant significance. To our knowledge, no occurrence of c.2981T>G in individuals affected with PIEZO1-related conditions and no experimental evidence demonstrating its impact on protein function have been reported. No submitters have cited clinical-significance assessments for this variant to ClinVar. Based on the evidence outlined above, the variant was classified as uncertain significance.

NM_001142864.4(PIEZO1):c.2981T>G (p.Phe994Cys)

Genes: HSALR1 (HSP90AB1 associated lncRNA 1; plus strand), PIEZO1 (piezo type mechanosensitive ion channel component 1 (Er blood group); minus strand). Cytogenetic location: 16q24.3.
Variant type: single nucleotide variant.
Coding change: c.2981T>G on transcript NM_001142864.4 (MANE Select); coding-DNA position 2981, T replaced by G.
Protein change: p.Phe994Cys; replaces phenylalanine 994 with cysteine.
Molecular consequence: missense variant.
Genome position (GRCh38, 1-based): chr16:88,732,345, A>C on the plus strand (T>G on the coding strand, the complement: PIEZO1 is on the minus strand). VCF-style: chr16-88732345-A-C. GRCh37 (hg19) VCF-style: chr16-88798753-A-C.
Other names: short protein forms F994C.
Identifiers: ClinVar variation 4688881 (VCV004688881.1).
Genomic context (GRCh38, chr16:88,732,345, plus strand): 5'-CTCCCGAAGGCCAAGCCCTGCCCCAGGGGGAGGCAATGTCCTTGCCTCACCTCCAGCCCG[A>C]ATTTGTAGAAGAAGAAGTTGATGAAGTACTTGAGGCAGCCGAGCAGATCCTGGTCCAGCT-3'
Protein context (NP_001136336.2, residues 984-1004): KYFINFFFYK[Phe994Cys]GLEICFLMAV